The following is an entry in ClinVar:

NM_032119.4(ADGRV1):c.7883del (p.Gly2628fs)

Gene: ADGRV1 (adhesion G protein-coupled receptor V1; plus strand). Cytogenetic location: 5q14.3.
Variant type: Deletion.
Coding change: c.7883del on transcript NM_032119.4 (MANE Select); coding-DNA position 7883, one base deleted (G; older notation c.7883delG).
Protein change: p.Gly2628fs; shifts the reading frame from glycine 2628.
Molecular consequence: frameshift variant. On other transcripts: non-coding transcript variant (1).
Genome position (GRCh38, 1-based): chr5:90,694,639, G deleted; the last of 2 consecutive G bases (chr5:90,694,638-90,694,639); deleting either gives the same sequence. VCF-style (leftmost placement, unchanged base first): chr5-90694637-TG-T. GRCh37 (hg19) VCF-style: chr5-89990454-TG-T.
Other names: short protein forms G2628fs.
Identifiers: ClinVar variation 2086733 (VCV002086733.4), dbSNP rs2530958634, ClinGen allele CA2580073774.

ClinVar aggregate classification (germline): Pathogenic (1 of 4 stars; one submission).

Submission:

Labcorp Genetics (formerly Invitae), Labcorp
Classification: Pathogenic. Last evaluated: 2023-11-27. Review status: criteria provided, single submitter. Criteria: Invitae Variant Classification Sherloc (09022015). Collection method: clinical testing. Allele origin: germline.
Comment: This sequence change creates a premature translational stop signal (p.Gly2628Valfs*8) in the ADGRV1 gene. It is expected to result in an absent or disrupted protein product. Loss-of-function variants in ADGRV1 are known to be pathogenic (PMID: 19357117, 22135276, 22147658, 26226137, 30718709, 31047384, 32467589). This variant is not present in population databases (gnomAD no frequency). This variant has not been reported in the literature in individuals affected with ADGRV1-related conditions. ClinVar contains an entry for this variant (Variation ID: 2086733). For these reasons, this variant has been classified as Pathogenic.

Literature cited by the submitters: PubMed 19357117; PubMed 22135276; PubMed 22147658; PubMed 26226137; PubMed 30718709; PubMed 31047384; PubMed 32467589.